The following is an entry in ClinVar:

NM_001943.5(DSG2):c.2860G>T (p.Gly954Cys)

Genes: DSG2 (desmoglein 2; plus strand), DSG2-AS1 (DSG2 antisense RNA 1; minus strand). Cytogenetic location: 18q12.1.
Variant type: single nucleotide variant.
Coding change: c.2860G>T on transcript NM_001943.5 (MANE Select); coding-DNA position 2860, G replaced by T.
Protein change: p.Gly954Cys; replaces glycine 954 with cysteine.
Molecular consequence: missense variant.
Genome position (GRCh38, 1-based): chr18:31,546,246, G>T. VCF-style: chr18-31546246-G-T. GRCh37 (hg19) VCF-style: chr18-29126209-G-T.
Other names: short protein forms G954C.
Identifiers: ClinVar variation 2169876 (VCV002169876.5), dbSNP rs2510922505, ClinGen allele CA402147150.

ClinVar aggregate classification (germline): Uncertain significance. Review status: criteria provided, multiple submitters, no conflicts (2 of 4 stars). 2 submissions from 2 submitters: Uncertain significance (2). Last evaluated 2024-01-11.

Conditions:
Arrhythmogenic right ventricular dysplasia 10. Also called: ARRHYTHMOGENIC RIGHT VENTRICULAR DYSPLASIA, FAMILIAL, 10; Arrhythmogenic Right Ventricular Dysplasia/Cardiomyopathy10; Arrhythmogenic right ventricular dysplasia/cardiomyopathy, type 10. Identifiers: MedGen C1857777, MONDO:0012434, OMIM 610193.
Arrhythmogenic right ventricular cardiomyopathy (ARVD). Also called: Arrhythmogenic right ventricular dysplasia; Cardiomyopathy, ARVC; Arrhythmogenic cardiomyopathy; Arrhythmogenic Right Ventricular Cardiomyopathy (ARVC). Identifiers: Orphanet 247, MedGen C0349788, MeSH D019571, MONDO:0016587. Disease mechanism: loss of function. Inheritance: Various modes of inheritance.

Submissions (2):

All of Us Research Program, National Institutes of Health
Classification: Uncertain significance for Arrhythmogenic right ventricular cardiomyopathy. Last evaluated: 2024-01-11. Review status: criteria provided, single submitter. Criteria: ACMG Guidelines, 2015. Collection method: clinical testing. Allele origin: germline. Inheritance: Autosomal dominant inheritance. Observed: 1 variant allele, 1 heterozygote.
Comment: This study involves interpretation of variants in research participants for the purpose of population health screening. Participant phenotype was not available at the time of variant classification. Additional details can be found in publication PMID: 35346344, PMCID: PMC8962531

Labcorp Genetics (formerly Invitae), Labcorp
Classification: Uncertain significance for Arrhythmogenic right ventricular dysplasia 10. Last evaluated: 2022-09-09. Review status: criteria provided, single submitter. Criteria: Invitae Variant Classification Sherloc (09022015). Collection method: clinical testing. Allele origin: germline.
Comment: In summary, the available evidence is currently insufficient to determine the role of this variant in disease. Therefore, it has been classified as a Variant of Uncertain Significance. Advanced modeling of protein sequence and biophysical properties (such as structural, functional, and spatial information, amino acid conservation, physicochemical variation, residue mobility, and thermodynamic stability) performed at Invitae indicates that this missense variant is not expected to disrupt DSG2 protein function. This variant has not been reported in the literature in individuals affected with DSG2-related conditions. This variant is not present in population databases (gnomAD no frequency). This sequence change replaces glycine, which is neutral and non-polar, with cysteine, which is neutral and slightly polar, at codon 954 of the DSG2 protein (p.Gly954Cys).